The following is an entry in ClinVar:

ClinVar aggregate classification (germline): Uncertain significance (1 of 4 stars; one submission).

Conditions:
Intellectual disability, X-linked 102 (MRXSSB). Also called: Intellectual developmental disorder, X-linked syndromic, Snijders Blok type. Identifiers: Orphanet 457260, MedGen C5393299, MONDO:0010497, OMIM 300958.

Submission:

Juno Genomics, Hangzhou Juno Genomics, Inc
Classification: Uncertain significance for Intellectual disability, X-linked 102. Review status: criteria provided, single submitter. Criteria: ACMG Guidelines, 2015. Collection method: clinical testing. Allele origin: germline. Affected: yes.
Comment: Absent from controls (or at extremely low frequency if recessive) in Genome Aggregation Database.;Multiple lines of computational evidence support a deleterious effect on the gene or gene product.;Patient's phenotype or family history is highly specific for a disease with a single genetic etiology.

NM_001356.5(DDX3X):c.45+718C>G

Gene: DDX3X (DEAD-box helicase 3 X-linked; plus strand). Cytogenetic location: Xp11.4.
Variant type: single nucleotide variant.
Coding change: c.45+718C>G on transcript NM_001356.5 (MANE Select); 718 bases into the intron after coding-DNA position 45, C replaced by G.
Molecular consequence: intron variant.
Genome position (GRCh38, 1-based): chrX:41,335,015, C>G. VCF-style: chrX-41335015-C-G. GRCh37 (hg19) VCF-style: chrX-41194268-C-G.
Other names: c.45+718C>G (NM_001193416.3, NM_001193417.3); c.-1859+718C>G (NM_001363819.1).
Identifiers: ClinVar variation 5019958 (VCV005019958.1).